The following is an entry in ClinVar:

ClinVar aggregate classification (germline): Uncertain significance. Review status: criteria provided, multiple submitters, no conflicts (2 of 4 stars). 3 submissions from 3 submitters: Uncertain significance (3). Last evaluated 2025-01-17.

Conditions:
Bardet-Biedl syndrome 9 (BBS9). Identifiers: Orphanet 110, MedGen C1859567, MONDO:0014437, OMIM 615986.
Inborn genetic diseases. Identifiers: MedGen C0950123, MeSH D030342.
Bardet-Biedl syndrome (BBS). Identifiers: Orphanet 110, MedGen C0752166, MONDO:0015229.

Allele frequency attached by ClinVar (database versions not stated): gnomAD exomes 0.00001 and 0.00002; TOPMed 0.00002; gnomAD 0.00004; ExAC 0.00001.
gnomAD v4.1: 27 of 1,614,086 alleles (0.0017%); highest among the groups gnomAD compares: Non-Finnish European, 0.0023%; no homozygotes.

Submissions (3):

Ambry Genetics
Classification: Uncertain significance for Inborn genetic diseases. Last evaluated: 2025-01-17. Review status: criteria provided, single submitter. Criteria: Ambry Variant Classification Scheme 2023. Collection method: clinical testing. Allele origin: germline.

Labcorp Genetics (formerly Invitae), Labcorp
Classification: Uncertain significance for Bardet-Biedl syndrome. Last evaluated: 2022-06-27. Review status: criteria provided, single submitter. Criteria: Invitae Variant Classification Sherloc (09022015). Collection method: clinical testing. Allele origin: germline.
Comment: This sequence change replaces glutamic acid, which is acidic and polar, with aspartic acid, which is acidic and polar, at codon 431 of the BBS9 protein (p.Glu431Asp). This variant is present in population databases (rs767170924, gnomAD 0.006%). This variant has not been reported in the literature in individuals affected with BBS9-related conditions. ClinVar contains an entry for this variant (Variation ID: 854046). Algorithms developed to predict the effect of missense changes on protein structure and function output the following: SIFT: "Deleterious"; PolyPhen-2: "Benign"; Align-GVGD: "Class C35". The aspartic acid amino acid residue is found in multiple mammalian species, which suggests that this missense change does not adversely affect protein function. Algorithms developed to predict the effect of sequence changes on RNA splicing suggest that this variant may create or strengthen a splice site. In summary, the available evidence is currently insufficient to determine the role of this variant in disease. Therefore, it has been classified as a Variant of Uncertain Significance.

Fulgent Genetics
Classification: Uncertain significance for Bardet-Biedl syndrome 9. Last evaluated: 2022-05-18. Review status: criteria provided, single submitter. Criteria: ACMG Guidelines, 2015. Collection method: clinical testing. Allele origin: unknown.

NM_198428.3(BBS9):c.1293G>C (p.Glu431Asp)

Gene: BBS9 (Bardet-Biedl syndrome 9; plus strand). Cytogenetic location: 7p14.3.
Variant type: single nucleotide variant.
Coding change: c.1293G>C on transcript NM_198428.3 (MANE Select); coding-DNA position 1293, G replaced by C.
Protein change: p.Glu431Asp; replaces glutamic acid 431 with aspartic acid.
Molecular consequence: missense variant. On other transcripts: non-coding transcript variant (3).
Genome position (GRCh38, 1-based): chr7:33,344,598, G>C. VCF-style: chr7-33344598-G-C. GRCh37 (hg19) VCF-style: chr7-33384210-G-C.
Other names: c.1293G>C, p.Glu431Asp (NM_001033604.2, NM_001033605.2, NM_001348036.1 and 5 more transcripts); c.927G>C, p.Glu309Asp (NM_001348037.3, NM_001348044.3, NM_001348045.3 and 1 more transcripts); c.1020G>C, p.Glu340Asp (NM_001348038.3, NM_001348039.3); c.1158G>C, p.Glu386Asp (NM_001348042.3); short protein forms E431D, E309D, E340D, E386D.
Identifiers: ClinVar variation 854046 (VCV000854046.7), dbSNP rs767170924, ClinGen allele CA4214251.